The following is an entry in ClinVar:

NM_001277115.2(DNAH11):c.494del (p.Glu165fs)

Gene: DNAH11 (dynein axonemal heavy chain 11; plus strand). Cytogenetic location: 7p15.3.
Variant type: Deletion.
Coding change: c.494del on transcript NM_001277115.2 (MANE Select); coding-DNA position 494, one base deleted (A; older notation c.494delA).
Protein change: p.Glu165fs; shifts the reading frame from glutamic acid 165.
Molecular consequence: frameshift variant.
Genome position (GRCh38, 1-based): chr7:21,545,148, A deleted. VCF-style (leftmost placement, unchanged base first): chr7-21545147-GA-G. GRCh37 (hg19) VCF-style: chr7-21584765-GA-G.
Other names: short protein forms E165fs.
Identifiers: ClinVar variation 4832962 (VCV004832962.1).
Genomic context (GRCh38, chr7:21,545,147, plus strand): 5'-GTGGTTTTATTTGGAGAGTTACCTGCGTTGTCTCTTGGACATGTATCTGCTTTCCTTGAT[GA>G]GGTACTGGTCTGTCTTTAATATTTAAAGCTTTCACTTATCTCCATGACATTTGAAATTAT-3'

ClinVar aggregate classification (germline): Likely pathogenic (1 of 4 stars; one submission).

Conditions:
Primary ciliary dyskinesia. Also called: Ciliary dyskinesia. Identifiers: Orphanet 244, MedGen C0008780, MONDO:0016575, HP:0012265.

Submission:

Ambry Genetics
Classification: Likely pathogenic for Primary ciliary dyskinesia. Last evaluated: 2025-12-22. Review status: criteria provided, single submitter. Criteria: Ambry Variant Classification Scheme 2023. Collection method: clinical testing. Allele origin: germline.
Comment: The c.494delA (p.E165Gfs*3) alteration, located in exon 2 (coding exon 2) of the DNAH11 gene, consists of a deletion of one nucleotide at position 494, causing a translational frameshift with a predicted alternate stop codon after 3 amino acids. Loss-of-function variants are expected to result in loss of function by premature protein truncation or nonsense-mediated mRNA decay. However, in silico splice site analysis predicts that this alteration may weaken the native splice donor site. The exact functional effect of this variant is unknown. This variant was not reported in population-based cohorts in the Genome Aggregation Database (gnomAD). Based on the available evidence, this alteration is classified as likely pathogenic.